The following is an entry in ClinVar:

ClinVar aggregate classification (germline): Pathogenic/Likely pathogenic. Review status: criteria provided, multiple submitters, no conflicts (2 of 4 stars). 3 submissions from 3 submitters: Pathogenic (2); Likely pathogenic (1). Last evaluated 2022-03-23.

Conditions:
Polycystic kidney disease, adult type (PKD1). Also called: Polycystic Kidney, Autosomal Dominant; POLYCYSTIC KIDNEY DISEASE, ADULT, TYPE I; Polycystic Kidney Disease 1, Autosomal Dominant; Polycystic kidney disease 1; Polycystic kidney disease 1, severe; POLYCYSTIC KIDNEY DISEASE 1 WITH OR WITHOUT POLYCYSTIC LIVER DISEASE. Identifiers: MedGen C3149841, MONDO:0008263, OMIM 173900.
PKD1-related disorder. Also called: PKD1-related condition.

Submissions (3):

Fulgent Genetics
Classification: Pathogenic for Polycystic kidney disease, adult type. Last evaluated: 2022-03-23. Review status: criteria provided, single submitter. Criteria: ACMG Guidelines, 2015. Collection method: clinical testing. Allele origin: unknown.

Blueprint Genetics
Classification: Pathogenic for PKD1-related disorders. Last evaluated: 2021-08-02. Review status: criteria provided, single submitter. Criteria: ACMG Guidelines, 2015. Collection method: clinical testing. Allele origin: germline. Affected: yes. Observed: 1 variant allele.

Athena Diagnostics
Classification: Likely pathogenic. Last evaluated: 2020-09-18. Review status: criteria provided, single submitter. Criteria: Athena Diagnostics criteria. Collection method: clinical testing. Allele origin: unknown.
Comment: This variant is expected to result in the loss of a functional protein. This variant has not been reported in large, multi-ethnic general populations.

NM_001009944.3(PKD1):c.10259G>A (p.Trp3420Ter)

Gene: PKD1 (polycystin 1, transient receptor potential channel interacting; minus strand). Cytogenetic location: 16p13.3.
Variant type: single nucleotide variant.
Coding change: c.10259G>A on transcript NM_001009944.3 (MANE Select); coding-DNA position 10259, G replaced by A.
Protein change: p.Trp3420Ter; replaces tryptophan 3420 with a stop codon.
Molecular consequence: nonsense.
Genome position (GRCh38, 1-based): chr16:2,097,465, C>T on the plus strand (G>A on the coding strand, the complement: PKD1 is on the minus strand). VCF-style: chr16-2097465-C-T. GRCh37 (hg19) VCF-style: chr16-2147466-C-T.
Other names: c.10256G>A, p.Trp3419Ter (NM_000296.4); short protein forms W3419*, W3420*.
Identifiers: ClinVar variation 1256432 (VCV001256432.3), dbSNP rs2151727019, ClinGen allele CA394347080.